The following is an entry in ClinVar:

NM_007294.4(BRCA1):c.704del (p.Asn235fs)

Gene: BRCA1 (BRCA1 DNA repair associated; minus strand). Cytogenetic location: 17q21.31.
Variant type: Deletion.
Coding change: c.704del on transcript NM_007294.4 (MANE Select); coding-DNA position 704, one base deleted (A; older notation c.704delA).
Protein change: p.Asn235fs; shifts the reading frame from asparagine 235.
Molecular consequence: frameshift variant. On other transcripts: non-coding transcript variant (1).
Genome position (GRCh38, 1-based): chr17:43,094,827, T deleted on the plus strand (A on the coding strand, the reverse complement: BRCA1 is on the minus strand); the first of 3 consecutive T bases (chr17:43,094,827-43,094,829); deleting any one gives the same sequence. VCF-style (leftmost placement, unchanged base first): chr17-43094826-AT-A. GRCh37 (hg19) VCF-style: chr17-41246843-AT-A.
Other names: 823delA; c.489delA, p.Asn164Ilefs (NM_001407571.1, NM_001408490.1, NM_001408491.1 and 12 more transcripts); c.699delA, p.Asn234Ilefs (NM_001408400.1, NM_001408401.1, NM_001408402.1 and 38 more transcripts); c.702delA, p.Asn235Ilefs (NM_001407581.1, NM_001407582.1, NM_001407583.1 and 53 more transcripts); c.693delA, p.Asn232Ilefs (NM_001408408.1, NM_001407646.1, NM_001407647.1); c.624delA, p.Asn209Ilefs (NM_001408409.1, NM_001408411.1, NM_001408412.1 and 9 more transcripts); c.561delA, p.Asn188Ilefs (NM_001408410.1, NM_001408452.1, NM_001408453.1 and 42 more transcripts); c.621delA, p.Asn208Ilefs (NM_001408413.1, NM_001408416.1, NM_001407659.1 and 3 more transcripts); and 17 more; short protein forms N235fs, N188fs.
Identifiers: ClinVar variation 266570 (VCV000266570.5), dbSNP rs886040310, ClinGen allele CA10590001.

ClinVar aggregate classification (germline): Pathogenic (3 of 4 stars; one submission).

Conditions:
Breast-ovarian cancer, familial, susceptibility to, 1 (BROVCA1). Also called: BRCA1 Hereditary Breast and Ovarian Cancer; OVARIAN CANCER, SUSCEPTIBILITY TO. Identifiers: Orphanet 145, MedGen C2676676, MONDO:0011450, OMIM 604370. Disease mechanism: loss of function.

Submission:

Evidence-based Network for the Interpretation of Germline Mutant Alleles (ENIGMA)
Classification: Pathogenic for Breast-ovarian cancer, familial, susceptibility to, 1. Last evaluated: 2016-10-18. Review status: reviewed by expert panel. Criteria: ENIGMA BRCA1/2 Classification Criteria (2015). Collection method: curation. Allele origin: germline.
Comment: Variant allele predicted to encode a truncated non-functional protein.